The following is an entry in ClinVar:

ClinVar aggregate classification (germline): Likely pathogenic. Review status: criteria provided, multiple submitters, no conflicts (2 of 4 stars). 4 submissions from 4 submitters: Likely pathogenic (3). 1 of the submissions does not count toward it. Last evaluated 2024-10-23.

Conditions:
Congenital myasthenic syndrome (CMS). Also called: Congenital Myasthenic Syndromes. Identifiers: Orphanet 590, MedGen C0751882, MeSH D020294, MONDO:0018940.
Familial infantile myasthenia (CMS6). Also called: Congenital myasthenic syndrome type 6; MYASTHENIC SYNDROME, PRESYNAPTIC, CONGENITAL, ASSOCIATED WITH EPISODIC APNEA; MYASTHENIC SYNDROME, CONGENITAL, 6, PRESYNAPTIC. Identifiers: Orphanet 590, MedGen C0393929, MONDO:0009689, OMIM 254210.

Allele frequency attached by ClinVar (database versions not stated): gnomAD 0.00001; TOPMed 0.00001.
gnomAD v4.1: 32 of 1,613,822 alleles (0.002%); highest among the groups gnomAD compares: Non-Finnish European, 0.0026%; no homozygotes.

Submissions (4):

Women's Health and Genetics/Laboratory Corporation of America, LabCorp
Classification: Likely pathogenic for Congenital myasthenic syndrome. Last evaluated: 2024-10-23. Review status: criteria provided, single submitter. Criteria: LabCorp Variant Classification Summary - May 2015. Collection method: clinical testing. Allele origin: germline.
Comment: Variant summary: CHAT c.1258C>T (p.Arg420Cys) results in a non-conservative amino acid change in the encoded protein sequence. Five of five in-silico tools predict a damaging effect of the variant on protein function. The variant allele was found at a frequency of 2e-05 in 1607038 control chromosomes in the gnomAD database (v4.1 dataset). This frequency is not significantly higher than estimated for a pathogenic variant in CHAT causing Congenital Myasthenic Syndrome (0.00079), allowing no conclusion about variant significance. c.1258C>T has been reported in the literature in a compound heterozygous individual affected with Congenital Myasthenic Syndrome (Ohno_2001). Authors of this study also reported experimental evidence evaluating an impact on protein function, and demonstrated markedly reduced CHAT expression in COS cells, and significantly impaired catalytic efficiency (Ohno_2001). The following publication have been ascertained in the context of this evaluation (PMID: 11172068). ClinVar contains an entry for this variant (Variation ID: 17514). Based on the evidence outlined above, the variant was classified as likely pathogenic.

Baylor Genetics
Classification: Likely pathogenic for Familial infantile myasthenia. Last evaluated: 2023-10-18. Review status: criteria provided, single submitter. Criteria: ACMG Guidelines, 2015. Collection method: clinical testing. Allele origin: unknown.

Institute of Human Genetics Munich, TUM University Hospital
Classification: Likely pathogenic for Familial infantile myasthenia. Last evaluated: 2021-06-17. Review status: criteria provided, single submitter. Criteria: Classification criteria August 2017. Collection method: clinical testing. Allele origin: germline. Inheritance: Autosomal recessive inheritance. Affected: yes. Observed: 1 variant allele.

OMIM
Classification: Pathogenic for MYASTHENIC SYNDROME, CONGENITAL, 6, PRESYNAPTIC. Last evaluated: 2001-02-13. Review status: no assertion criteria provided. Collection method: literature only. Allele origin: germline. Not counted in ClinVar's aggregate classification.

Literature cited by the submitters: PubMed 11172068 (cited by Women's Health and Genetics/Laboratory Corporation of America, LabCorp and OMIM).

NM_020549.5(CHAT):c.1258C>T (p.Arg420Cys)

Gene: CHAT (choline O-acetyltransferase; plus strand). Cytogenetic location: 10q11.23.
Variant type: single nucleotide variant.
Coding change: c.1258C>T on transcript NM_020549.5 (MANE Select); coding-DNA position 1258, C replaced by T.
Protein change: p.Arg420Cys; replaces arginine 420 with cysteine.
Molecular consequence: missense variant.
Genome position (GRCh38, 1-based): chr10:49,646,651, C>T. VCF-style: chr10-49646651-C-T. GRCh37 (hg19) VCF-style: chr10-50854697-C-T.
Other names: c.904C>T, p.Arg302Cys (NM_020984.4, NM_020985.4, NM_020986.4 and 2 more transcripts); c.1012C>T, p.Arg338Cys (NM_001142933.2); short protein forms R420C, R302C, R338C.
Identifiers: ClinVar variation 17514 (VCV000017514.4), dbSNP rs121912822, ClinGen allele CA257999.
Genomic context (GRCh38, chr10:49,646,651, plus strand): 5'-GACACCCACAGGGCACTCCAGCTCCTTCACGGCGGAGGCTACAGCAAGAACGGGGCCAAT[C>T]GCTGGTACGACAAGTCCCTGCAGGTAAGCCGTCCAGGTGGCCCTGCAAGAGCACAGCCAT-3'
Protein context (NP_065574.4, residues 410-430): GGGYSKNGAN[Arg420Cys]WYDKSLQFVV